The following is an entry in ClinVar:

ClinVar aggregate classification (germline): Uncertain significance. Review status: criteria provided, multiple submitters, no conflicts (2 of 4 stars). 2 submissions from 2 submitters: Uncertain significance (2). Last evaluated 2025-08-22.

Allele frequency attached by ClinVar (database versions not stated): ExAC 0.00004.
gnomAD v4.1: 98 of 1,573,836 alleles (0.0062%); highest among the groups gnomAD compares: Non-Finnish European, 0.0083%; no homozygotes.

Submissions (2):

Labcorp Genetics (formerly Invitae), Labcorp
Classification: Uncertain significance. Last evaluated: 2025-08-22. Review status: criteria provided, single submitter. Criteria: Invitae Variant Classification Sherloc (09022015). Collection method: clinical testing. Allele origin: germline.
Comment: This sequence change replaces glycine, which is neutral and non-polar, with arginine, which is basic and polar, at codon 340 of the SIX5 protein (p.Gly340Arg). This variant is present in population databases (rs768789921, gnomAD 0.006%). This variant has not been reported in the literature in individuals affected with SIX5-related conditions. ClinVar contains an entry for this variant (Variation ID: 2065266). Invitae Evidence Modeling of protein sequence and biophysical properties (such as structural, functional, and spatial information, amino acid conservation, physicochemical variation, residue mobility, and thermodynamic stability) indicates that this missense variant is expected to disrupt SIX5 protein function with a positive predictive value of 80%. In summary, the available evidence is currently insufficient to determine the role of this variant in disease. Therefore, it has been classified as a Variant of Uncertain Significance.

Ambry Genetics
Classification: Uncertain significance. Last evaluated: 2025-07-02. Review status: criteria provided, single submitter. Criteria: Ambry Variant Classification Scheme 2023. Collection method: clinical testing. Allele origin: germline.

NM_175875.5(SIX5):c.1018G>C (p.Gly340Arg)

Genes: SIX5 (SIX homeobox 5; minus strand), LOC107075317 (origin of replication in DMPK trinucleotide repeat region; plus strand). Cytogenetic location: 19q13.32.
Variant type: single nucleotide variant.
Coding change: c.1018G>C on transcript NM_175875.5 (MANE Select); coding-DNA position 1018, G replaced by C.
Protein change: p.Gly340Arg; replaces glycine 340 with arginine.
Molecular consequence: missense variant.
Genome position (GRCh38, 1-based): chr19:45,766,941, C>G on the plus strand (G>C on the coding strand, the complement: SIX5 is on the minus strand). VCF-style: chr19-45766941-C-G. GRCh37 (hg19) VCF-style: chr19-46270199-C-G.
Other names: c.1018G>C (NM_175875.4); short protein forms G340R.
Identifiers: ClinVar variation 2065266 (VCV002065266.5), dbSNP rs768789921, ClinGen allele CA9520691.